The following is an entry in ClinVar:

ClinVar aggregate classification (germline): Pathogenic (1 of 4 stars; one submission).

Conditions:
Hereditary cancer-predisposing syndrome. Also called: Hereditary Cancer Syndrome; Hereditary neoplastic syndrome; Neoplastic Syndromes, Hereditary; Tumor predisposition. Identifiers: Orphanet 140162, MedGen C0027672, MeSH D009386, MONDO:0015356.

Submission:

Ambry Genetics
Classification: Pathogenic for Hereditary cancer-predisposing syndrome. Last evaluated: 2021-05-26. Review status: criteria provided, single submitter. Criteria: Ambry Variant Classification Scheme 2023. Collection method: clinical testing. Allele origin: germline.
Comment: The p.E327* pathogenic mutation (also known as c.979G>T), located in coding exon 10 of the NF2 gene, results from a G to T substitution at nucleotide position 979. This changes the amino acid from a glutamic acid to a stop codon within coding exon 10. This alteration is expected to result in loss of function by premature protein truncation or nonsense-mediated mRNA decay. As such, this alteration is interpreted as a disease-causing mutation.

NM_000268.4(NF2):c.979G>T (p.Glu327Ter)

Gene: NF2 (NF2, moesin-ezrin-radixin like (MERLIN) tumor suppressor; plus strand). Cytogenetic location: 22q12.2.
Variant type: single nucleotide variant.
Coding change: c.979G>T on transcript NM_000268.4 (MANE Select); coding-DNA position 979, G replaced by T.
Protein change: p.Glu327Ter; replaces glutamic acid 327 with a stop codon.
Molecular consequence: nonsense. On other transcripts: non-coding transcript variant (1), intron variant (1).
Genome position (GRCh38, 1-based): chr22:29,668,426, G>T. VCF-style: chr22-29668426-G-T. GRCh37 (hg19) VCF-style: chr22-30064415-G-T.
Other names: c.865G>T, p.Glu289Ter (NM_001407053.1, NM_001407056.1); c.856G>T, p.Glu286Ter (NM_001407054.1, NM_001407058.1, NM_181829.3); c.853G>T, p.Glu285Ter (NM_001407055.1, NM_181828.3); c.844G>T, p.Glu282Ter (NM_001407057.1, NM_001407059.1); c.979G>T, p.Glu327Ter (NM_001407060.1, NM_001407066.1, NM_016418.5 and 2 more transcripts); c.721G>T, p.Glu241Ter (NM_001407062.1); c.730G>T, p.Glu244Ter (NM_001407063.1, NM_001407064.1, NM_181830.3 and 1 more transcripts); c.445G>T, p.Glu149Ter (NM_001407065.1); and 2 more; short protein forms E289*, E241*, E282*, E286*, E149*, E244*, E285*, E250*.
Identifiers: ClinVar variation 1768238 (VCV001768238.2), dbSNP rs2518646448, ClinGen allele CA411146076.
Genomic context (GRCh38, chr22:29,668,426, plus strand): 5'-TTTATGAGGAGAAGGAAAGCCGATTCTTTGGAAGTTCAGCAGATGAAAGCCCAGGCCAGG[G>T]AGGAGAAGGCTAGAAAGCAGGTGAGCACAACCTTGTTTTAACTGATGATGTCACTGTGTG-3'